The following is an entry in ClinVar:

NM_020884.7(MYH7B):c.2629C>A (p.Arg877Ser)

Gene: MYH7B (myosin heavy chain 7B; plus strand). Cytogenetic location: 20q11.22.
Variant type: single nucleotide variant.
Coding change: c.2629C>A on transcript NM_020884.7 (MANE Select); coding-DNA position 2629, C replaced by A.
Protein change: p.Arg877Ser; replaces arginine 877 with serine.
Molecular consequence: missense variant.
Genome position (GRCh38, 1-based): chr20:34,994,330, C>A. VCF-style: chr20-34994330-C-A. GRCh37 (hg19) VCF-style: chr20-33582133-C-A.
Other names: short protein forms R877S.
Identifiers: ClinVar variation 3669427 (VCV003669427.2).

ClinVar aggregate classification (germline): Uncertain significance (1 of 4 stars; one submission).

gnomAD v4.1: 15 of 1,609,170 alleles (0.00093%); highest among the groups gnomAD compares: Non-Finnish European, 0.0011%; no homozygotes.

Submission:

Labcorp Genetics (formerly Invitae), Labcorp
Classification: Uncertain significance. Last evaluated: 2025-03-31. Review status: criteria provided, single submitter. Criteria: Invitae Variant Classification Sherloc (09022015). Collection method: clinical testing. Allele origin: germline.
Comment: This sequence change replaces arginine, which is basic and polar, with serine, which is neutral and polar, at codon 919 of the MYH7B protein (p.Arg919Ser). This variant is not present in population databases (gnomAD no frequency). This variant has not been reported in the literature in individuals affected with MYH7B-related conditions. Invitae Evidence Modeling of protein sequence and biophysical properties (such as structural, functional, and spatial information, amino acid conservation, physicochemical variation, residue mobility, and thermodynamic stability) indicates that this missense variant is expected to disrupt MYH7B protein function with a positive predictive value of 80%. In summary, the available evidence is currently insufficient to determine the role of this variant in disease. Therefore, it has been classified as a Variant of Uncertain Significance.